The following is an entry in ClinVar:

NM_025257.3(SLC44A4):c.802G>A (p.Val268Met)

Gene: SLC44A4 (solute carrier family 44 member 4; minus strand). Cytogenetic location: 6p21.33.
Variant type: single nucleotide variant.
Coding change: c.802G>A on transcript NM_025257.3 (MANE Select); coding-DNA position 802, G replaced by A.
Protein change: p.Val268Met; replaces valine 268 with methionine.
Molecular consequence: missense variant.
Genome position (GRCh38, 1-based): chr6:31,870,947, C>T on the plus strand (G>A on the coding strand, the complement: SLC44A4 is on the minus strand). VCF-style: chr6-31870947-C-T. GRCh37 (hg19) VCF-style: chr6-31838724-C-T.
Other names: c.676G>A, p.Val226Met (NM_001178044.2); c.574G>A, p.Val192Met (NM_001178045.2); short protein forms V192M, V226M, V268M.
Identifiers: ClinVar variation 4979534 (VCV004979534.1).

ClinVar aggregate classification (germline): Uncertain significance (1 of 4 stars; one submission).

Conditions:
SLC44A4-related disorder. Also called: SLC44A4-related condition.

gnomAD v4.1: 42 of 1,612,888 alleles (0.0026%); highest among the groups gnomAD compares: East Asian, 0.0045%; no homozygotes.

Submission:

PreventionGenetics, part of Exact Sciences
Classification: Uncertain significance for SLC44A4-related condition. Last evaluated: 2026-09-11. Review status: criteria provided, single submitter. Criteria: ACMG Guidelines, 2015. Collection method: clinical testing. Allele origin: germline.
Comment: The SLC44A4 c.802G>A variant is predicted to result in the amino acid substitution p.Val268Met. To our knowledge, this variant has not been reported in the literature. This variant is reported in 0.0057% of alleles in individuals of Latino descent in gnomAD. At this time, the clinical significance of this variant is uncertain due to the absence of conclusive functional and genetic evidence.